The following is an entry in ClinVar:

ClinVar aggregate classification (germline): Pathogenic (1 of 4 stars; one submission).

Submission:

Labcorp Genetics (formerly Invitae), Labcorp
Classification: Pathogenic. Last evaluated: 2024-06-12. Review status: criteria provided, single submitter. Criteria: Invitae Variant Classification Sherloc (09022015). Collection method: clinical testing. Allele origin: germline.
Comment: This sequence change creates a premature translational stop signal (p.Tyr417*) in the LZTR1 gene. It is expected to result in an absent or disrupted protein product. Loss-of-function variants in LZTR1 are known to be pathogenic (PMID: 24362817, 25335493, 25480913, 25795793, 29469822, 30368668, 30442762, 30442766, 30481304, 30859559). This variant is not present in population databases (gnomAD no frequency). This variant has not been reported in the literature in individuals affected with LZTR1-related conditions. Algorithms developed to predict the effect of sequence changes on RNA splicing suggest that this variant may disrupt the consensus splice site. For these reasons, this variant has been classified as Pathogenic.

Literature cited by the submitters: PubMed 24362817; PubMed 25335493; PubMed 25480913; PubMed 25795793; PubMed 29469822; PubMed 30368668; PubMed 30442762; PubMed 30442766; PubMed 30481304; PubMed 30859559.

NM_006767.4(LZTR1):c.1251_1252del (p.Tyr417_Arg418delinsTer)

Gene: LZTR1 (leucine zipper like post translational regulator 1; plus strand). Cytogenetic location: 22q11.21.
Variant type: Deletion.
Coding change: c.1251_1252del on transcript NM_006767.4 (MANE Select); coding-DNA positions 1251 to 1252, 2 bases deleted (CA; older notation c.1251_1252delCA).
Protein change: p.Tyr417_Arg418delinsTer.
Molecular consequence: nonsense.
Genome position (GRCh38, 1-based): chr22:20,992,895-20,992,896, CA deleted; deleting any 2 consecutive bases within chr22:20,992,894-20,992,896 gives the same sequence; the c. name uses the placement nearest the transcript's 3' end. VCF-style (leftmost placement, unchanged base first): chr22-20992893-TAC-T. GRCh37 (hg19) VCF-style: chr22-21347182-TAC-T.
Identifiers: ClinVar variation 3649048 (VCV003649048.2).